The following is an entry in ClinVar:

ClinVar aggregate classification (germline): Likely pathogenic (1 of 4 stars; one submission).

Conditions:
Atrial fibrillation, familial, 6 (ATFB6). Identifiers: MedGen C2677294, MONDO:0012816, OMIM 612201.

Submission:

Service of Pediatric Gastrohepatology and Metabolic Diseases, University of Medicine of Tirana
Classification: Likely pathogenic for Atrial fibrillation, familial, 6. Last evaluated: 2026-04-29. Review status: criteria provided, single submitter. Criteria: ACMG Guidelines, 2015. Collection method: clinical testing. Allele origin: germline. Inheritance: Autosomal dominant inheritance. Affected: yes. Observed: 1 variant allele.
Comment: NPPA c.312del was classified as Likely pathogenic using ACMG/AMP 2015 criteria (PMID:25741868). The deletion is predicted to disrupt the coding sequence, supporting PVS1/PM4-type evidence depending on the transcript consequence, with PM2 for rarity/absence in population databases when reviewed and PP4 for phenotype consistency with NPPA-related atrial fibrillation (OMIM:612201).

NM_006172.4(NPPA):c.312del (p.Ser105fs)

Genes: NPPA (natriuretic peptide A; minus strand), NPPA-AS1 (NPPA antisense RNA 1; plus strand), LOC114827827 (VISTA enhancer hs2123; plus strand). Cytogenetic location: 1p36.22.
Variant type: Deletion.
Coding change: c.312del on transcript NM_006172.4 (MANE Select); coding-DNA position 312, one base deleted (C; older notation c.312delC).
Protein change: p.Ser105fs; shifts the reading frame from serine 105.
Molecular consequence: frameshift variant.
Genome position (GRCh38, 1-based): chr1:11,847,251, G deleted on the plus strand (C on the coding strand, the reverse complement: NPPA is on the minus strand); the first of 2 consecutive G bases (chr1:11,847,251-11,847,252); deleting either gives the same sequence. VCF-style (leftmost placement, unchanged base first): chr1-11847250-AG-A. GRCh37 (hg19) VCF-style: chr1-11907307-AG-A.
Other names: short protein forms S105fs.
Identifiers: ClinVar variation 4849585 (VCV004849585.1).